The following is an entry in ClinVar:

NM_017780.4(CHD7):c.2375A>G (p.Gln792Arg)

Gene: CHD7 (chromodomain helicase DNA binding protein 7; plus strand). Cytogenetic location: 8q12.2.
Variant type: single nucleotide variant.
Coding change: c.2375A>G on transcript NM_017780.4 (MANE Select); coding-DNA position 2375, A replaced by G.
Protein change: p.Gln792Arg; replaces glutamine 792 with arginine.
Molecular consequence: missense variant. On other transcripts: intron variant (1).
Genome position (GRCh38, 1-based): chr8:60,800,524, A>G. VCF-style: chr8-60800524-A-G. GRCh37 (hg19) VCF-style: chr8-61713083-A-G.
Other names: c.1716+19474A>G (NM_001316690.1); short protein forms Q792R.
Identifiers: ClinVar variation 643867 (VCV000643867.16), dbSNP rs1441258013, ClinGen allele CA371300972.

ClinVar aggregate classification (germline): Uncertain significance. Review status: criteria provided, multiple submitters, no conflicts (2 of 4 stars). 5 submissions from 5 submitters: Uncertain significance (5). Last evaluated 2026-02-13.

Conditions:
Hypogonadotropic hypogonadism 5 with or without anosmia (KAL5). Also called: HYPOGONADOTROPIC HYPOGONADISM 5 WITH ANOSMIA; HYPOGONADOTROPHIC HYPOGONADISM 5 WITHOUT ANOSMIA; CHD7-Related GnRH Deficiency (Kallmann Syndrome 5). Identifiers: Orphanet 478, MedGen C3552553, MONDO:0012880, OMIM 612370. Disease mechanism: loss of function.
CHD7-related disorder. Also called: CHD7-related condition.
Inborn genetic diseases. Identifiers: MedGen C0950123, MeSH D030342.
CHARGE syndrome (CHARGE). Also called: Coloboma, heart anomaly, choanal atresia, retardation, genital and ear anomalies; CHARGE association; Hall-Hittner syndrome; Hittner Hirsch Kreh syndrome; CHARGE ASSOCIATION--COLOBOMA, HEART ANOMALY, CHOANAL ATRESIA, RETARDATION, GENITAL AND EAR ANOMALIES. Identifiers: Orphanet 138, MedGen C0265354, MONDO:0008965.

Allele frequency attached by ClinVar (database versions not stated): TOPMed 0.00001; gnomAD 0.00002; gnomAD exomes 0.00003.
gnomAD v4.1: 39 of 1,611,790 alleles (0.0024%); highest among the groups gnomAD compares: Non-Finnish European, 0.0032%; no homozygotes.

Submissions (5):

PreventionGenetics, part of Exact Sciences
Classification: Uncertain significance for CHD7-related condition. Last evaluated: 2026-02-13. Review status: criteria provided, single submitter. Criteria: ACMG Guidelines, 2015. Collection method: clinical testing. Allele origin: germline.
Comment: The CHD7 c.2375A>G variant is predicted to result in the amino acid substitution p.Gln792Arg. To our knowledge, this variant has not been reported in the literature or in a large population database (gnomAD), indicating this variant is rare. At this time, the clinical significance of this variant is uncertain due to the absence of conclusive functional and genetic evidence.

Labcorp Genetics (formerly Invitae), Labcorp
Classification: Uncertain significance for CHARGE syndrome. Last evaluated: 2025-12-21. Review status: criteria provided, single submitter. Criteria: Invitae Variant Classification Sherloc (09022015). Collection method: clinical testing. Allele origin: germline.
Comment: This sequence change replaces glutamine, which is neutral and polar, with arginine, which is basic and polar, at codon 792 of the CHD7 protein (p.Gln792Arg). This variant is not present in population databases (gnomAD no frequency). This variant has not been reported in the literature in individuals affected with CHD7-related conditions. ClinVar contains an entry for this variant (Variation ID: 643867). An algorithm developed to predict the effect of missense changes on protein structure and function (PolyPhen-2) suggests that this variant is likely to be disruptive. In summary, the available evidence is currently insufficient to determine the role of this variant in disease. Therefore, it has been classified as a Variant of Uncertain Significance.

Ambry Genetics
Classification: Uncertain significance for Inborn genetic diseases. Last evaluated: 2025-04-10. Review status: criteria provided, single submitter. Criteria: Ambry Variant Classification Scheme 2023. Collection method: clinical testing. Allele origin: germline.

Revvity Omics, Revvity
Classification: Uncertain significance. Last evaluated: 2019-05-29. Review status: criteria provided, single submitter. Criteria: ACMG Guidelines, 2015. Collection method: clinical testing. Allele origin: germline.

Illumina Laboratory Services, Illumina
Classification: Uncertain significance for Kallmann Syndrome 5. Last evaluated: 2018-01-13. Review status: criteria provided, single submitter. Criteria: ICSL Variant Classification Criteria 13 December 2019. Collection method: clinical testing. Allele origin: germline.